The following is an entry in ClinVar:

ClinVar aggregate classification (germline): Conflicting classifications of pathogenicity. Review status: criteria provided, conflicting classifications (1 of 4 stars). 6 submissions from 6 submitters: Uncertain significance (1); Benign (3); Likely benign (1). 1 of the submissions does not count toward it. Last evaluated 2026-02-02.

Conditions:
Thrombophilia due to protein S deficiency, autosomal recessive (THPH6). Identifiers: Orphanet 743, MedGen C3281092, MONDO:0013791, OMIM 614514. Disease mechanism: loss of function.
Protein S deficiency disease. Also called: Protein S deficiency. Identifiers: MedGen C0242666, MeSH D018455, MONDO:0002304.
PROS1-related disorder. Also called: PROS1-related condition.
Thrombophilia due to protein S deficiency, autosomal dominant (THPH5). Identifiers: Orphanet 26349, Orphanet 743, MedGen C3278211, MONDO:0012868, OMIM 612336. Disease mechanism: loss of function.

Allele frequency attached by ClinVar (database versions not stated): 1000 Genomes Project 0.00659; 1000 Genomes Project 30x 0.00750; TOPMed 0.00808; ESP Exome Variant Server 0.00961.
gnomAD v4.1: 2,118 of 1,614,090 alleles (0.13%); highest among the groups gnomAD compares: African/African-American, 2.6%; 15 homozygotes.

Submissions (6):

Labcorp Genetics (formerly Invitae), Labcorp
Classification: Benign for Thrombophilia due to protein S deficiency, autosomal recessive. Last evaluated: 2026-02-02. Review status: criteria provided, single submitter. Criteria: Invitae Variant Classification Sherloc (09022015). Collection method: clinical testing. Allele origin: germline.

Mayo Clinic Laboratories, Mayo Clinic
Classification: Benign. Last evaluated: 2025-09-19. Review status: criteria provided, single submitter. Criteria: ACMG Guidelines, 2015. Collection method: clinical testing. Allele origin: germline. Observed: 10 variant alleles.
Comment: BS1, BS2, BS4, PP3, PS4_supporting

Mendelics
Classification: Benign for Thrombophilia due to protein S deficiency, autosomal dominant. Last evaluated: 2019-05-28. Review status: criteria provided, single submitter. Criteria: Mendelics Assertion Criteria 2017. Collection method: clinical testing. Allele origin: unknown.

NIHR Bioresource Rare Diseases, University of Cambridge
Classification: Uncertain significance for Reduced protein S activity. Last evaluated: 2019-02-01. Review status: criteria provided, single submitter. Criteria: ACMG Guidelines, 2015. Collection method: research. Allele origin: unknown. Affected: yes. Observed: 1 heterozygote. Study: ThromboGenomics.

Illumina Laboratory Services, Illumina
Classification: Likely benign for Thrombophilia due to protein S deficiency, autosomal dominant. Last evaluated: 2017-04-28. Review status: criteria provided, single submitter. Criteria: ICSL Variant Classification Criteria 13 December 2019. Collection method: clinical testing. Allele origin: germline.
Comment: This variant was observed as part of a predisposition screen in an ostensibly healthy population. A literature search was performed for the gene, cDNA change, and amino acid change (where applicable). Publications were found based on this search. The evidence from the literature, in combination with allele frequency data from public databases where available, was sufficient to determine this variant is unlikely to cause disease. Therefore, this variant is classified as likely benign.

PreventionGenetics, part of Exact Sciences
Classification: Likely benign for PROS1-related condition. Last evaluated: 2021-03-22. Review status: no assertion criteria provided. Collection method: clinical testing. Allele origin: germline. Not counted in ClinVar's aggregate classification.
Comment: This variant is classified as likely benign based on ACMG/AMP sequence variant interpretation guidelines (Richards et al. 2015 PMID: 25741868, with internal and published modifications).

Literature cited by the submitters: PubMed 17849042 (cited by Mayo Clinic Laboratories, Mayo Clinic); PubMed 7803790 (cited by Mayo Clinic Laboratories, Mayo Clinic and Illumina Laboratory Services, Illumina); PubMed 31064749 (cited by NIHR Bioresource Rare Diseases, University of Cambridge); PubMed 20880255 (cited by Illumina Laboratory Services, Illumina).

NM_000313.4(PROS1):c.119G>T (p.Arg40Leu)

Gene: PROS1 (protein S; minus strand). Cytogenetic location: 3q11.1.
Variant type: single nucleotide variant.
Coding change: c.119G>T on transcript NM_000313.4 (MANE Select); coding-DNA position 119, G replaced by T.
Protein change: p.Arg40Leu; replaces arginine 40 with leucine.
Molecular consequence: missense variant.
Genome position (GRCh38, 1-based): chr3:93,927,365, C>A on the plus strand (G>T on the coding strand, the complement: PROS1 is on the minus strand). VCF-style: chr3-93927365-C-A. GRCh37 (hg19) VCF-style: chr3-93646209-C-A.
Other names: c.215G>T, p.Arg72Leu (NM_001314077.2); short protein forms R40L, R72L.
Identifiers: ClinVar variation 346893 (VCV000346893.24), dbSNP rs7614835, ClinGen allele CA2503588.
Genomic context (GRCh38, chr3:93,927,365, plus strand): 5'-TCGATGCATTCTCTTTCAAGATTACCCTGTTTGGTTTCTTCAAGTAAAGAATTTGCACGA[C>A]GCTTCCTAACCAGGACTTGTGAAGCCTGTTGCTTTGACAAAACTGAAGGAAACAATCAGT-3'
Protein context (NP_000304.2, residues 30-50): QQASQVLVRK[Arg40Leu]RANSLLEETK